The following is an entry in ClinVar:

ClinVar aggregate classification (germline): Uncertain significance. Review status: criteria provided, multiple submitters, no conflicts (2 of 4 stars). 2 submissions from 2 submitters: Uncertain significance (2). Last evaluated 2026-04-01.

Submissions (2):

CeGaT Center for Human Genetics Tuebingen
Classification: Uncertain significance. Last evaluated: 2026-04-01. Review status: criteria provided, single submitter. Criteria: CeGaT Center For Human Genetics Tuebingen Variant Classification Criteria Version 2. Collection method: clinical testing. Allele origin: germline. Affected: yes. Observed: 1 variant allele.
Comment: KCNQ5: PM2, PP3

Labcorp Genetics (formerly Invitae), Labcorp
Classification: Uncertain significance. Last evaluated: 2021-10-28. Review status: criteria provided, single submitter. Criteria: Invitae Variant Classification Sherloc (09022015). Collection method: clinical testing. Allele origin: germline.
Comment: In summary, the available evidence is currently insufficient to determine the role of this variant in disease. Therefore, it has been classified as a Variant of Uncertain Significance. Advanced modeling of protein sequence and biophysical properties (such as structural, functional, and spatial information, amino acid conservation, physicochemical variation, residue mobility, and thermodynamic stability) performed at Invitae indicates that this missense variant is not expected to disrupt KCNQ5 protein function. This variant has not been reported in the literature in individuals affected with KCNQ5-related conditions. This variant is not present in population databases (gnomAD no frequency). This sequence change replaces glycine, which is neutral and non-polar, with arginine, which is basic and polar, at codon 7 of the KCNQ5 protein (p.Gly7Arg).

NM_019842.4(KCNQ5):c.19G>A (p.Gly7Arg)

Genes: KCNQ5 (potassium voltage-gated channel subfamily Q member 5; plus strand), KCNQ5-DT (KCNQ5 divergent transcript; minus strand), LOC129996711 (ATAC-STARR-seq lymphoblastoid silent region 17329; plus strand). Cytogenetic location: 6q13.
Variant type: single nucleotide variant.
Coding change: c.19G>A on transcript NM_019842.4 (MANE Select); coding-DNA position 19, G replaced by A.
Protein change: p.Gly7Arg; replaces glycine 7 with arginine.
Molecular consequence: missense variant.
Genome position (GRCh38, 1-based): chr6:72,622,208, G>A. VCF-style: chr6-72622208-G-A. GRCh37 (hg19) VCF-style: chr6-73331936-G-A.
Other names: c.19G>A, p.Gly7Arg (NM_001160130.2, NM_001160132.2, NM_001160133.2 and 1 more transcripts); short protein forms G7R.
Identifiers: ClinVar variation 1358048 (VCV001358048.8), dbSNP rs2154471206, ClinGen allele CA364823986.